The following is an entry in ClinVar:

ClinVar aggregate classification (germline): Likely benign (0 of 4 stars; one submission).

Conditions:
PCNT-related disorder. Also called: PCNT-related condition.

Submission:

PreventionGenetics, part of Exact Sciences
Classification: Likely benign for PCNT-related condition. Last evaluated: 2022-02-08. Review status: no assertion criteria provided. Collection method: clinical testing. Allele origin: germline.
Comment: This variant is classified as likely benign based on ACMG/AMP sequence variant interpretation guidelines (Richards et al. 2015 PMID: 25741868, with internal and published modifications).

NM_006031.6(PCNT):c.8581C>T (p.Leu2861=)

Gene: PCNT (pericentrin; plus strand). Cytogenetic location: 21q22.3.
Variant type: single nucleotide variant.
Coding change: c.8581C>T on transcript NM_006031.6 (MANE Select); coding-DNA position 8581, C replaced by T.
Protein change: p.Leu2861=; no amino-acid change (leucine 2861 retained).
Molecular consequence: synonymous variant. On other transcripts: intron variant (1).
Genome position (GRCh38, 1-based): chr21:46,432,045, C>T. VCF-style: chr21-46432045-C-T. GRCh37 (hg19) VCF-style: chr21-47851959-C-T.
Other names: c.8160+67C>T (NM_001315529.2).
Identifiers: ClinVar variation 3358714 (VCV003358714.1).